The following is an entry in ClinVar:

NM_001122955.4(BSCL2):c.1288C>A (p.Pro430Thr)

Genes: BSCL2 (BSCL2 lipid droplet biogenesis associated, seipin; minus strand), HNRNPUL2-BSCL2 (HNRNPUL2-BSCL2 readthrough (NMD candidate); minus strand). Cytogenetic location: 11q12.3.
Variant type: single nucleotide variant.
Coding change: c.1288C>A on transcript NM_001122955.4 (MANE Select); coding-DNA position 1288, C replaced by A.
Protein change: p.Pro430Thr; replaces proline 430 with threonine.
Molecular consequence: missense variant. On other transcripts: non-coding transcript variant (1), 3 prime UTR variant (1).
Genome position (GRCh38, 1-based): chr11:62,690,468, G>T on the plus strand (C>A on the coding strand, the complement: BSCL2 is on the minus strand). VCF-style: chr11-62690468-G-T. GRCh37 (hg19) VCF-style: chr11-62457940-G-T.
Other names: c.*90C>A (NM_001130702.2); c.1294C>A, p.Pro432Thr (NM_001386027.1); c.1288C>A, p.Pro430Thr (NM_001386028.1); c.1096C>A, p.Pro366Thr (NM_032667.6); short protein forms P430T, P432T, P366T.
Identifiers: ClinVar variation 2780763 (VCV002780763.3), dbSNP rs377310581, ClinGen allele CA380954689.

ClinVar aggregate classification (germline): Uncertain significance (1 of 4 stars; one submission).

Conditions:
Charcot-Marie-Tooth disease type 2. Also called: Charcot-Marie-Tooth type 2. Identifiers: Orphanet 64746, MedGen C0270914, MONDO:0018993.

gnomAD v4.1: 4 of 1,614,188 alleles (0.00025%); highest among the groups gnomAD compares: Non-Finnish European, 0.00034%; no homozygotes.

Submission:

Labcorp Genetics (formerly Invitae), Labcorp
Classification: Uncertain significance for Charcot-Marie-Tooth disease type 2. Last evaluated: 2023-08-18. Review status: criteria provided, single submitter. Criteria: Invitae Variant Classification Sherloc (09022015). Collection method: clinical testing. Allele origin: germline.
Comment: This variant has not been reported in the literature in individuals affected with BSCL2-related conditions. In summary, the available evidence is currently insufficient to determine the role of this variant in disease. Therefore, it has been classified as a Variant of Uncertain Significance. An algorithm developed to predict the effect of missense changes on protein structure and function (PolyPhen-2) suggests that this variant is likely to be tolerated. This variant is not present in population databases (gnomAD no frequency). This sequence change replaces proline, which is neutral and non-polar, with threonine, which is neutral and polar, at codon 366 of the BSCL2 protein (p.Pro366Thr).